The following is an entry in ClinVar:

NC_000012.11:g.(?_132423708)_(132423830_?)del

Gene: PUS1 (pseudouridine synthase 1; plus strand). Cytogenetic location: 12q24.33.
Variant type: Deletion.
Identifiers: ClinVar variation 1427301 (VCV001427301.6).

ClinVar aggregate classification (germline): Pathogenic (1 of 4 stars; one submission).

Submission:

Labcorp Genetics (formerly Invitae), Labcorp
Classification: Pathogenic. Last evaluated: 2020-11-15. Review status: criteria provided, single submitter. Criteria: Invitae Variant Classification Sherloc (09022015). Collection method: clinical testing. Allele origin: germline.
Comment: For these reasons, this variant has been classified as Pathogenic. This variant has not been reported in the literature in individuals with PUS1-related conditions. This variant is a gross deletion of the genomic region encompassing exon(s) 4 of the PUS1 gene. This deletion is out-of-frame, and is expected to create a premature translational stop signal and result in an absent or disrupted protein product. Loss-of-function variants in PUS1 are known to be pathogenic (PMID: 17056637, 19731322, 25058219, 26556812).

Literature cited by the submitters: PubMed 17056637; PubMed 19731322; PubMed 25058219; PubMed 26556812.